The following is an entry in ClinVar:

NM_000789.4(ACE):c.417+8G>A

Gene: ACE (angiotensin I converting enzyme; plus strand). Cytogenetic location: 17q23.3.
Variant type: single nucleotide variant.
Coding change: c.417+8G>A on transcript NM_000789.4 (MANE Select); 8 bases into the intron after coding-DNA position 417, G replaced by A.
Molecular consequence: intron variant.
Genome position (GRCh38, 1-based): chr17:63,478,106, G>A. VCF-style: chr17-63478106-G-A. GRCh37 (hg19) VCF-style: chr17-61555467-G-A.
Identifiers: ClinVar variation 324364 (VCV000324364.15), dbSNP rs114000559, ClinGen allele CA8699040.

ClinVar aggregate classification (germline): Benign. Review status: criteria provided, multiple submitters, no conflicts (2 of 4 stars). 2 submissions from 2 submitters: Benign (2). Last evaluated 2025-12-23.

Conditions:
Renal tubular dysgenesis. Also called: Renotubular dysgenesis. Identifiers: Orphanet 3033, MedGen C0266313, MONDO:0017609, HP:0008660.

Allele frequency attached by ClinVar (database versions not stated): gnomAD exomes 0.00093; ExAC 0.00175; gnomAD 0.00378 and 0.00400; ESP Exome Variant Server 0.00388; TOPMed 0.00488; 1000 Genomes Project 0.00559; 1000 Genomes Project 30x 0.00640.
gnomAD v4.1: 1,163 of 1,573,362 alleles (0.074%); highest among the groups gnomAD compares: African/African-American, 1.4%; 13 homozygotes.

Submissions (2):

Labcorp Genetics (formerly Invitae), Labcorp
Classification: Benign. Last evaluated: 2025-12-23. Review status: criteria provided, single submitter. Criteria: Invitae Variant Classification Sherloc (09022015). Collection method: clinical testing. Allele origin: germline.

Illumina Laboratory Services, Illumina
Classification: Benign for Renal tubular dysgenesis of genetic origin. Last evaluated: 2018-01-12. Review status: criteria provided, single submitter. Criteria: ICSL Variant Classification Criteria 13 December 2019. Collection method: clinical testing. Allele origin: germline.
Comment: This variant was observed in the ICSL laboratory as part of a predisposition screen in an ostensibly healthy population. It had not been previously curated by ICSL or reported in the Human Gene Mutation Database (HGMD: prior to June 1st, 2018), and was therefore a candidate for classification through an automated scoring system. Utilizing variant allele frequency, disease prevalence and penetrance estimates, and inheritance mode, an automated score was calculated to assess if this variant is too frequent to cause the disease. Based on the score and internal cut-off values, a variant classified as benign is not then subjected to further curation. The score for this variant resulted in a classification of benign for this disease.